The following is an entry in ClinVar:

NM_001256627.2(BRSK2):c.92-3C>T

Gene: BRSK2 (BR serine/threonine kinase 2; plus strand). Cytogenetic location: 11p15.5.
Variant type: single nucleotide variant.
Coding change: c.92-3C>T on transcript NM_001256627.2 (MANE Select); 3 bases into the intron before coding-DNA position 92, C replaced by T.
Molecular consequence: intron variant.
Genome position (GRCh38, 1-based): chr11:1,436,037, C>T. VCF-style: chr11-1436037-C-T. GRCh37 (hg19) VCF-style: chr11-1457267-C-T.
Other names: c.92-3C>T (NM_001256629.2, NM_003957.4); c.-89-3C>T (NM_001282218.2); c.230-3C>T (NM_001256630.1).
Identifiers: ClinVar variation 720380 (VCV000720380.38), dbSNP rs200299640, ClinGen allele CA5810360.

ClinVar aggregate classification (germline): Benign/Likely benign. Review status: criteria provided, multiple submitters, no conflicts (2 of 4 stars). 5 submissions from 5 submitters: Benign (2); Likely benign (2). 1 of the submissions does not count toward it. Last evaluated 2024-12-01.

Conditions:
BRSK2-related disorder. Also called: BRSK2-related condition; BRSK2-Related Disorders.

Allele frequency attached by ClinVar (database versions not stated): ESP Exome Variant Server 0.00055; gnomAD 0.00066 and 0.00094; TOPMed 0.00105; gnomAD exomes 0.00113 and 0.00191; 1000 Genomes Project 30x 0.00187; 1000 Genomes Project 0.00220; ExAC 0.00274.
gnomAD v4.1: 1,838 of 1,603,538 alleles (0.11%); highest among the groups gnomAD compares: Middle Eastern, 1%; 15 homozygotes.

Submissions (5):

CeGaT Center for Human Genetics Tuebingen
Classification: Likely benign. Last evaluated: 2024-12-01. Review status: criteria provided, single submitter. Criteria: CeGaT Center For Human Genetics Tuebingen Variant Classification Criteria Version 2. Collection method: clinical testing. Allele origin: germline. Affected: yes. Observed: 3 variant alleles.
Comment: BRSK2: BP4, BS2

Blueprint Genetics
Classification: Likely benign. Last evaluated: 2024-11-27. Review status: criteria provided, single submitter. Criteria: ACMG Guidelines, 2015. Collection method: clinical testing. Allele origin: germline.

Labcorp Genetics (formerly Invitae), Labcorp
Classification: Benign. Last evaluated: 2018-05-08. Review status: criteria provided, single submitter. Criteria: Invitae Variant Classification Sherloc (09022015). Collection method: clinical testing. Allele origin: germline.

Breakthrough Genomics
Classification: Benign. Review status: criteria provided, single submitter. Criteria: ACMG Guidelines, 2015. Collection method: not provided. Allele origin: germline. Inheritance: Unknown mechanism. Affected: yes.

PreventionGenetics, part of Exact Sciences
Classification: Benign for BRSK2-related condition. Last evaluated: 2022-08-17. Review status: no assertion criteria provided. Collection method: clinical testing. Allele origin: germline. Not counted in ClinVar's aggregate classification.
Comment: This variant is classified as benign based on ACMG/AMP sequence variant interpretation guidelines (Richards et al. 2015 PMID: 25741868, with internal and published modifications).